The following is an entry in ClinVar:

NM_014249.4(NR2E3):c.236T>A (p.Leu79His)

Gene: NR2E3 (nuclear receptor subfamily 2 group E member 3; plus strand). Cytogenetic location: 15q23.
Variant type: single nucleotide variant.
Coding change: c.236T>A on transcript NM_014249.4 (MANE Select); coding-DNA position 236, T replaced by A.
Protein change: p.Leu79His; replaces leucine 79 with histidine.
Molecular consequence: missense variant.
Genome position (GRCh38, 1-based): chr15:71,811,600, T>A. VCF-style: chr15-71811600-T-A. GRCh37 (hg19) VCF-style: chr15-72103940-T-A.
Other names: c.236T>A, p.Leu79His (NM_016346.4); short protein forms L79H.
Identifiers: ClinVar variation 2857001 (VCV002857001.4), dbSNP rs2054181312, ClinGen allele CA393032185.

ClinVar aggregate classification (germline): Uncertain significance. Review status: criteria provided, multiple submitters, no conflicts (2 of 4 stars). 2 submissions from 2 submitters: Uncertain significance (2). Last evaluated 2023-04-17.

Allele frequency attached by ClinVar (database versions not stated): TOPMed below 0.00001.

Submissions (2):

Labcorp Genetics (formerly Invitae), Labcorp
Classification: Uncertain significance. Last evaluated: 2023-04-17. Review status: criteria provided, single submitter. Criteria: Invitae Variant Classification Sherloc (09022015). Collection method: clinical testing. Allele origin: germline.
Comment: This variant has not been reported in the literature in individuals affected with NR2E3-related conditions. This sequence change replaces leucine, which is neutral and non-polar, with histidine, which is basic and polar, at codon 79 of the NR2E3 protein (p.Leu79His). This variant is not present in population databases (gnomAD no frequency). Advanced modeling of protein sequence and biophysical properties (such as structural, functional, and spatial information, amino acid conservation, physicochemical variation, residue mobility, and thermodynamic stability) performed at Invitae indicates that this missense variant is not expected to disrupt NR2E3 protein function. In summary, the available evidence is currently insufficient to determine the role of this variant in disease. Therefore, it has been classified as a Variant of Uncertain Significance.

Blueprint Genetics
Classification: Uncertain significance. Last evaluated: 2019-08-05. Review status: criteria provided, single submitter. Criteria: ACMG Guidelines, 2015. Collection method: clinical testing. Allele origin: germline.